The following is an entry in ClinVar:

NM_020207.7(ERCC6L2):c.1637C>T (p.Ala546Val)

Gene: ERCC6L2 (ERCC excision repair 6 like 2; plus strand). Cytogenetic location: 9q22.32.
Variant type: single nucleotide variant.
Coding change: c.1637C>T on transcript NM_020207.7 (MANE Select); coding-DNA position 1637, C replaced by T.
Protein change: p.Ala546Val; replaces alanine 546 with valine.
Molecular consequence: missense variant. On other transcripts: non-coding transcript variant (1).
Genome position (GRCh38, 1-based): chr9:95,928,750, C>T. VCF-style: chr9-95928750-C-T. GRCh37 (hg19) VCF-style: chr9-98691032-C-T.
Other names: c.1637C>T, p.Ala546Val (NM_001010895.4, NM_001375291.1, NM_001375292.1 and 2 more transcripts); c.1670C>T (NM_001010895.2); short protein forms A546V.
Identifiers: ClinVar variation 1164800 (VCV001164800.12), dbSNP rs538392483, ClinGen allele CA5139639.

ClinVar aggregate classification (germline): Conflicting classifications of pathogenicity. Review status: criteria provided, conflicting classifications (1 of 4 stars). 3 submissions from 3 submitters: Uncertain significance (1); Benign (1). 1 of the submissions does not count toward it. Last evaluated 2025-11-24.

Conditions:
ERCC6L2-related disorder. Also called: ERCC6L2-related condition.
Inborn genetic diseases. Identifiers: MedGen C0950123, MeSH D030342.

Allele frequency attached by ClinVar (database versions not stated): gnomAD 0.00001 and 0.00014; TOPMed 0.00002; gnomAD exomes 0.00027 and 0.00063; ExAC 0.00067; 1000 Genomes Project 30x 0.00172; 1000 Genomes Project 0.00180.
gnomAD v4.1: 418 of 1,612,742 alleles (0.026%); highest among the groups gnomAD compares: South Asian, 0.43%; 5 homozygotes.

Submissions (3):

Labcorp Genetics (formerly Invitae), Labcorp
Classification: Benign. Last evaluated: 2025-11-24. Review status: criteria provided, single submitter. Criteria: Invitae Variant Classification Sherloc (09022015). Collection method: clinical testing. Allele origin: germline.

Ambry Genetics
Classification: Uncertain significance for Inborn genetic diseases. Last evaluated: 2022-02-03. Review status: criteria provided, single submitter. Criteria: Ambry Variant Classification Scheme 2023. Collection method: clinical testing. Allele origin: germline.

PreventionGenetics, part of Exact Sciences
Classification: Likely benign for ERCC6L2-related condition. Last evaluated: 2019-05-07. Review status: no assertion criteria provided. Collection method: clinical testing. Allele origin: germline. Not counted in ClinVar's aggregate classification.
Comment: This variant is classified as likely benign based on ACMG/AMP sequence variant interpretation guidelines (Richards et al. 2015 PMID: 25741868, with internal and published modifications).